The following is an entry in ClinVar:

NM_018958.3(NPAP1):c.2142C>T (p.Ala714=)

Gene: NPAP1 (nuclear pore associated protein 1; plus strand). Cytogenetic location: 15q11.2.
Variant type: single nucleotide variant.
Coding change: c.2142C>T on transcript NM_018958.3 (MANE Select); coding-DNA position 2142, C replaced by T.
Protein change: p.Ala714=; no amino-acid change (alanine 714 retained).
Molecular consequence: synonymous variant.
Genome position (GRCh38, 1-based): chr15:24,678,009, C>T. VCF-style: chr15-24678009-C-T. GRCh37 (hg19) VCF-style: chr15-24923156-C-T.
Identifiers: ClinVar variation 2498601 (VCV002498601.28), dbSNP rs146025086, ClinGen allele CA7430879.

ClinVar aggregate classification (germline): Likely benign (1 of 4 stars; one submission).

Allele frequency attached by ClinVar (database versions not stated): 1000 Genomes Project 30x 0.00016; 1000 Genomes Project 0.00020; gnomAD 0.00051; gnomAD exomes 0.00055; TOPMed 0.00056; ESP Exome Variant Server 0.00069; ExAC 0.00090.

Submission:

CeGaT Center for Human Genetics Tuebingen
Classification: Likely benign. Last evaluated: 2023-08-01. Review status: criteria provided, single submitter. Criteria: CeGaT Center For Human Genetics Tuebingen Variant Classification Criteria Version 2. Collection method: clinical testing. Allele origin: germline. Affected: yes. Observed: 5 variant alleles.
Comment: NPAP1: BP4, BP7